The following is an entry in ClinVar:

NM_000426.4(LAMA2):c.926G>T (p.Cys309Phe)

Gene: LAMA2 (laminin subunit alpha 2; plus strand). Cytogenetic location: 6q22.33.
Variant type: single nucleotide variant.
Coding change: c.926G>T on transcript NM_000426.4 (MANE Select); coding-DNA position 926, G replaced by T.
Protein change: p.Cys309Phe; replaces cysteine 309 with phenylalanine.
Molecular consequence: missense variant.
Genome position (GRCh38, 1-based): chr6:129,148,995, G>T. VCF-style: chr6-129148995-G-T. GRCh37 (hg19) VCF-style: chr6-129470140-G-T.
Other names: c.926G>T, p.Cys309Phe (NM_001079823.2); short protein forms C309F.
Identifiers: ClinVar variation 2113934 (VCV002113934.4), dbSNP rs2482605266, ClinGen allele CA365606510.
Genomic context (GRCh38, chr6:129,148,995, plus strand): 5'-CTAAATGAGGCTAAAATTTGTGCTTCCTCCCTCTTTTTGACTAGAAATCTCGCTGTGAGT[G>T]TGAGCATAACACATGTGGCGATAGCTGTGATCAGTGCTGTCCAGGATTCCATCAGAAACC-3'
Protein context (NP_000417.3, residues 299-319): DPATNKSRCE[Cys309Phe]EHNTCGDSCD

ClinVar aggregate classification (germline): Uncertain significance (1 of 4 stars; one submission).

Conditions:
LAMA2-related muscular dystrophy (LAMA2-RD). Also called: Laminin alpha 2-related dystrophy. Identifiers: MedGen C5679788, MONDO:0100228.

Submission:

Labcorp Genetics (formerly Invitae), Labcorp
Classification: Uncertain significance for LAMA2-related muscular dystrophy. Last evaluated: 2022-04-14. Review status: criteria provided, single submitter. Criteria: Invitae Variant Classification Sherloc (09022015). Collection method: clinical testing. Allele origin: germline.
Comment: In summary, the available evidence is currently insufficient to determine the role of this variant in disease. Therefore, it has been classified as a Variant of Uncertain Significance. Advanced modeling of protein sequence and biophysical properties (such as structural, functional, and spatial information, amino acid conservation, physicochemical variation, residue mobility, and thermodynamic stability) performed at Invitae indicates that this missense variant is expected to disrupt LAMA2 protein function. This variant has not been reported in the literature in individuals affected with LAMA2-related conditions. This variant is not present in population databases (gnomAD no frequency). This sequence change replaces cysteine, which is neutral and slightly polar, with phenylalanine, which is neutral and non-polar, at codon 309 of the LAMA2 protein (p.Cys309Phe).